The following is an entry in ClinVar:

NM_152564.5(VPS13B):c.10235C>T (p.Ala3412Val)

Gene: VPS13B (vacuolar protein sorting 13 homolog B; plus strand). Cytogenetic location: 8q22.2.
Variant type: single nucleotide variant.
Coding change: c.10235C>T on transcript NM_152564.5 (MANE Select); coding-DNA position 10235, C replaced by T.
Protein change: p.Ala3412Val; replaces alanine 3412 with valine.
Molecular consequence: missense variant.
Genome position (GRCh38, 1-based): chr8:99,853,624, C>T. VCF-style: chr8-99853624-C-T. GRCh37 (hg19) VCF-style: chr8-100865852-C-T.
Other names: p.Ala3437Val; c.10310C>T, p.Ala3437Val (NM_017890.5); c.10235C>T (NM_152564.4); short protein forms A3412V, A3437V.
Identifiers: ClinVar variation 445643 (VCV000445643.22), dbSNP rs112045467, ClinGen allele CA4824914.
Genomic context (GRCh38, chr8:99,853,624, plus strand): 5'-ACAACATTTTTCTCTGTGTGGCCCCGGGAGCTGGTCCCCTCCCTGGGGAAGAGCCTGTGG[C>T]TGCGTTGTTTGAACTTTACTGTGTGGAGATCTGCTGTGGGGACCTGCAGCTAGACAACCA-3'
Protein context (NP_689777.3, residues 3402-3422): AGPLPGEEPV[Ala3412Val]ALFELYCVEI

ClinVar aggregate classification (germline): Benign/Likely benign. Review status: criteria provided, multiple submitters, no conflicts (2 of 4 stars). 8 submissions from 8 submitters: Benign (3); Likely benign (5). Last evaluated 2026-02-01.

Conditions:
VPS13B-related disorder. Also called: VPS13B-related condition.
Inborn genetic diseases. Identifiers: MedGen C0950123, MeSH D030342.
Cohen syndrome (COH1). Also called: PEPPER SYNDROME; Cutis verticis gyrata, retinitis pigmentosa, and sensorineural deafness. Identifiers: Orphanet 193, MedGen C0265223, MONDO:0008999, OMIM 216550.

Allele frequency attached by ClinVar (database versions not stated): gnomAD exomes 0.00026 and 0.00068; ExAC 0.00098; 1000 Genomes Project 0.00220; 1000 Genomes Project 30x 0.00234; gnomAD 0.00239 and 0.00251; TOPMed 0.00269; ESP Exome Variant Server 0.00346.
gnomAD v4.1: 766 of 1,614,168 alleles (0.047%); highest among the groups gnomAD compares: African/African-American, 0.85%; 3 homozygotes.

Submissions (8):

Labcorp Genetics (formerly Invitae), Labcorp
Classification: Benign for Cohen syndrome. Last evaluated: 2026-02-01. Review status: criteria provided, single submitter. Criteria: Invitae Variant Classification Sherloc (09022015). Collection method: clinical testing. Allele origin: germline.

Mayo Clinic Laboratories, Mayo Clinic
Classification: Likely benign. Last evaluated: 2025-02-19. Review status: criteria provided, single submitter. Criteria: ACMG Guidelines, 2015. Collection method: clinical testing. Allele origin: germline. Observed: 3 variant alleles.
Comment: BS1, BP4

PreventionGenetics, part of Exact Sciences
Classification: Benign for VPS13B-related condition. Last evaluated: 2024-10-21. Review status: criteria provided, single submitter. Criteria: ACMG Guidelines, 2015. Collection method: clinical testing. Allele origin: germline.
Comment: This variant is classified as benign based on ACMG/AMP sequence variant interpretation guidelines (Richards et al. 2015 PMID: 25741868, with internal and published modifications).

Blueprint Genetics
Classification: Likely benign. Last evaluated: 2024-08-09. Review status: criteria provided, single submitter. Criteria: ACMG Guidelines, 2015. Collection method: clinical testing. Allele origin: germline.

GeneDx
Classification: Likely benign. Last evaluated: 2019-09-30. Review status: criteria provided, single submitter. Criteria: GeneDx Variant Classification Process June 2021. Collection method: clinical testing. Allele origin: germline. Affected: yes.

Ambry Genetics
Classification: Benign for Inborn genetic diseases. Last evaluated: 2017-05-25. Review status: criteria provided, single submitter. Criteria: Ambry Variant Classification Scheme 2023. Collection method: clinical testing. Allele origin: germline.

Center for Pediatric Genomic Medicine, Children's Mercy Hospital and Clinics
Classification: Likely benign. Last evaluated: 2017-05-03. Review status: criteria provided, single submitter. Criteria: ACMG Guidelines, 2015. Collection method: clinical testing. Allele origin: germline.

Breakthrough Genomics
Classification: Likely benign. Review status: criteria provided, single submitter. Criteria: ACMG Guidelines, 2015. Collection method: not provided. Allele origin: germline. Inheritance: Autosomal recessive inheritance. Affected: yes.